The following is an entry in ClinVar:

ClinVar aggregate classification (germline): Conflicting classifications of pathogenicity. Review status: criteria provided, conflicting classifications (1 of 4 stars). 7 submissions from 7 submitters: Uncertain significance (1); Benign (1); Likely benign (5). Last evaluated 2026-03-01.

Conditions:
Hereditary cancer-predisposing syndrome. Also called: Tumor predisposition; Neoplastic Syndromes, Hereditary; Hereditary Cancer Syndrome; Hereditary neoplastic syndrome. Identifiers: Orphanet 140162, MedGen C0027672, MeSH D009386, MONDO:0015356.
Gorlin syndrome. Also called: Basal cell nevus syndrome; Nevoid Basal Cell Carcinoma Syndrome. Identifiers: Orphanet 377, MedGen C0004779, MONDO:0007187.

Allele frequency attached by ClinVar (database versions not stated): TOPMed 0.00005; ESP Exome Variant Server 0.00008; gnomAD 0.00009; ExAC 0.00010; 1000 Genomes Project 30x 0.00016; 1000 Genomes Project 0.00020.
gnomAD v4.1: 154 of 1,588,216 alleles (0.0097%); highest among the groups gnomAD compares: East Asian, 0.022%; no homozygotes.

Submissions (7):

CeGaT Center for Human Genetics Tuebingen
Classification: Likely benign. Last evaluated: 2026-03-01. Review status: criteria provided, single submitter. Criteria: CeGaT Center For Human Genetics Tuebingen Variant Classification Criteria Version 2. Collection method: clinical testing. Allele origin: germline. Affected: yes. Observed: 5 variant alleles.
Comment: PTCH1: BP4, BP7

Labcorp Genetics (formerly Invitae), Labcorp
Classification: Likely benign for Gorlin syndrome. Last evaluated: 2026-01-17. Review status: criteria provided, single submitter. Criteria: Invitae Variant Classification Sherloc (09022015). Collection method: clinical testing. Allele origin: germline.

Center for Genomic Medicine, Rigshospitalet, Copenhagen University Hospital
Classification: Likely benign. Last evaluated: 2025-03-04. Review status: criteria provided, single submitter. Criteria: ACMG Guidelines, 2015. Collection method: clinical testing. Allele origin: germline.

Quest Diagnostics Nichols Institute San Juan Capistrano
Classification: Benign. Last evaluated: 2022-11-28. Review status: criteria provided, single submitter. Criteria: Quest Diagnostics criteria. Collection method: clinical testing. Allele origin: unknown.

Institute for Clinical Genetics, University Hospital TU Dresden, University Hospital TU Dresden
Classification: Uncertain significance. Last evaluated: 2021-11-03. Review status: criteria provided, single submitter. Criteria: ACMG Guidelines, 2015. Collection method: clinical testing. Allele origin: germline.

Sema4
Classification: Likely benign for Hereditary cancer-predisposing syndrome. Last evaluated: 2021-09-11. Review status: criteria provided, single submitter. Criteria: Sema4 Curation Guidelines. Collection method: curation. Allele origin: germline.

Ambry Genetics
Classification: Likely benign for Hereditary cancer-predisposing syndrome. Last evaluated: 2017-06-20. Review status: criteria provided, single submitter. Criteria: Ambry Variant Classification Scheme 2023. Collection method: clinical testing. Allele origin: germline.

NM_000264.5(PTCH1):c.3816C>T (p.Pro1272=)

Gene: PTCH1 (patched 1; minus strand). Cytogenetic location: 9q22.32.
Variant type: single nucleotide variant.
Coding change: c.3816C>T on transcript NM_000264.5 (MANE Select); coding-DNA position 3816, C replaced by T.
Protein change: p.Pro1272=; no amino-acid change (proline 1272 retained).
Molecular consequence: synonymous variant. On other transcripts: non-coding transcript variant (1).
Genome position (GRCh38, 1-based): chr9:95,447,440, G>A on the plus strand (C>T on the coding strand, the complement: PTCH1 is on the minus strand). VCF-style: chr9-95447440-G-A. GRCh37 (hg19) VCF-style: chr9-98209722-G-A.
Other names: c.3618C>T, p.Pro1206= (NM_001083602.3); c.3813C>T, p.Pro1271= (NM_001083603.3); c.3363C>T, p.Pro1121= (NM_001083604.3, NM_001083605.3, NM_001083606.3 and 1 more transcripts); c.3660C>T, p.Pro1220= (NM_001354918.2); c.3816C>T (NM_000264.4).
Identifiers: ClinVar variation 215700 (VCV000215700.47), dbSNP rs369295226, ClinGen allele CA337463.
Genomic context (GRCh38, chr9:95,447,440, plus strand): 5'-GGACCCTGAGTCCAGGTGGGGCTGCTGTCTCGGGTTCGAGGGTGGGTGATGCCTGGATTC[G>A]GGATGGACCACCTGCAGAGGGTGAGGGTGGGTTAGAAGGGTGGTATCCCAGGCTGGGCAT-3'
Protein context (NP_000255.2, residues 1262-1282): PVFAHSTVVH[Pro1272=]ESRHHPPSNP